The following is an entry in ClinVar:

ClinVar aggregate classification (germline): Uncertain significance (1 of 4 stars; one submission).

Conditions:
RYR1-related disorder. Also called: RYR1-related condition; RYR1-related disorders. Identifiers: MedGen CN239331.

Submission:

Labcorp Genetics (formerly Invitae), Labcorp
Classification: Uncertain significance for RYR1-related disorder. Last evaluated: 2024-04-15. Review status: criteria provided, single submitter. Criteria: Invitae Variant Classification Sherloc (09022015). Collection method: clinical testing. Allele origin: germline.
Comment: This sequence change replaces histidine, which is basic and polar, with arginine, which is basic and polar, at codon 4427 of the RYR1 protein (p.His4427Arg). This variant is present in population databases (no rsID available, gnomAD 0.007%). This variant has not been reported in the literature in individuals affected with RYR1-related conditions. Advanced modeling of protein sequence and biophysical properties (such as structural, functional, and spatial information, amino acid conservation, physicochemical variation, residue mobility, and thermodynamic stability) performed at Invitae indicates that this missense variant is not expected to disrupt RYR1 protein function with a negative predictive value of 95%. In summary, the available evidence is currently insufficient to determine the role of this variant in disease. Therefore, it has been classified as a Variant of Uncertain Significance.

NM_000540.3(RYR1):c.13280A>G (p.His4427Arg)

Genes: RYR1 (ryanodine receptor 1; plus strand), LOC130064357 (ATAC-STARR-seq lymphoblastoid silent region 10577; plus strand). Cytogenetic location: 19q13.2.
Variant type: single nucleotide variant.
Coding change: c.13280A>G on transcript NM_000540.3 (MANE Select); coding-DNA position 13280, A replaced by G.
Protein change: p.His4427Arg; replaces histidine 4427 with arginine.
Molecular consequence: missense variant.
Genome position (GRCh38, 1-based): chr19:38,565,614, A>G. VCF-style: chr19-38565614-A-G. GRCh37 (hg19) VCF-style: chr19-39056254-A-G.
Other names: c.13265A>G, p.His4422Arg (NM_001042723.2); short protein forms H4427R, H4422R.
Identifiers: ClinVar variation 3636248 (VCV003636248.2).